The following is an entry in ClinVar:

NM_001379110.1(SLC9A6):c.1644del (p.Trp548fs)

Gene: SLC9A6 (solute carrier family 9 member A6; plus strand). Cytogenetic location: Xq26.3.
Variant type: Deletion.
Coding change: c.1644del on transcript NM_001379110.1 (MANE Select); coding-DNA position 1644, one base deleted (G; older notation c.1644delG).
Protein change: p.Trp548fs; shifts the reading frame from tryptophan 548.
Molecular consequence: frameshift variant.
Genome position (GRCh38, 1-based): chrX:136,033,476, G deleted; the last of 2 consecutive G bases (chrX:136,033,475-136,033,476); deleting either gives the same sequence. VCF-style (leftmost placement, unchanged base first): chrX-136033474-TG-T. GRCh37 (hg19) VCF-style: chrX-135115633-TG-T.
Other names: c.1710del, p.Trp570fs (NM_001042537.2); c.1554del, p.Trp518fs (NM_001177651.2); c.1458del, p.Trp486fs (NM_001330652.2); c.1614del, p.Trp538fs (NM_006359.3); short protein forms W486fs, W538fs, W548fs, W570fs, W518fs.
Identifiers: ClinVar variation 1448076 (VCV001448076.6), dbSNP rs2148201789, ClinGen allele CA2573159298.
Genomic context (GRCh38, chrX:136,033,474, plus strand): 5'-GGTGTTCCTGAAAATGAAAGGAGAACTACCAAAGCAGAGAGTGCTTGGCTTTTCCGGATG[TG>T]GTACAACTTTGATCATAAGTATCCTTAATTGAGGGAAAAAAAAAAAGGATAATGTGGACA-3'

ClinVar aggregate classification (germline): Pathogenic (1 of 4 stars; one submission).

Conditions:
Christianson syndrome (MRXSCH). Also called: INTELLECTUAL DEVELOPMENTAL DISORDER, X-LINKED, SYNDROMIC, CHRISTIANSON TYPE; SLC9A6-Related Syndromic Mental Retardation; X-linked mental retardation, syndromic, Christianson type. Identifiers: Orphanet 85278, MedGen C2678194, MONDO:0010278, OMIM 300243.

Submission:

Labcorp Genetics (formerly Invitae), Labcorp
Classification: Pathogenic for Christianson syndrome. Last evaluated: 2021-03-31. Review status: criteria provided, single submitter. Criteria: Invitae Variant Classification Sherloc (09022015). Collection method: clinical testing. Allele origin: germline.
Comment: For these reasons, this variant has been classified as Pathogenic. This variant has not been reported in the literature in individuals with SLC9A6-related conditions. This variant is not present in population databases (ExAC no frequency). This sequence change creates a premature translational stop signal (p.Trp538Cysfs*9) in the SLC9A6 gene. It is expected to result in an absent or disrupted protein product. Loss-of-function variants in SLC9A6 are known to be pathogenic (PMID: 18342287).

Literature cited by the submitters: PubMed 18342287.